The following is an entry in ClinVar:

NM_001371928.1(AHDC1):c.3405C>A (p.His1135Gln)

Gene: AHDC1 (AT-hook DNA binding motif containing 1; minus strand). Cytogenetic location: 1p36.11.
Variant type: single nucleotide variant.
Coding change: c.3405C>A on transcript NM_001371928.1 (MANE Select); coding-DNA position 3405, C replaced by A.
Protein change: p.His1135Gln; replaces histidine 1135 with glutamine.
Molecular consequence: missense variant.
Genome position (GRCh38, 1-based): chr1:27,548,711, G>T on the plus strand (C>A on the coding strand, the complement: AHDC1 is on the minus strand). VCF-style: chr1-27548711-G-T. GRCh37 (hg19) VCF-style: chr1-27875222-G-T.
Other names: c.3405C>A, p.His1135Gln (NM_001029882.3); short protein forms H1135Q.
Identifiers: ClinVar variation 3623559 (VCV003623559.2).
Genomic context (GRCh38, chr1:27,548,711, plus strand): 5'-CTGCTTCACCTTCTGCGGTGTGTAGTTGGAGATGTCCAGGATCACGTTGGGCTCGCTGAC[G>T]TGGCAGTCAAAACTGGGATTGTAGAGCTGACTAAAGGCCTCTGAGGCCCAGTCCAGGCCT-3'
Protein context (NP_001358857.1, residues 1125-1145): SQLYNPSFDC[His1135Gln]VSEPNVILDI

ClinVar aggregate classification (germline): Uncertain significance (1 of 4 stars; one submission).

gnomAD v4.1: 3 of 1,613,348 alleles (0.00019%); highest among the groups gnomAD compares: South Asian, 0.0033%; no homozygotes.

Submission:

Labcorp Genetics (formerly Invitae), Labcorp
Classification: Uncertain significance. Last evaluated: 2025-08-11. Review status: criteria provided, single submitter. Criteria: Invitae Variant Classification Sherloc (09022015). Collection method: clinical testing. Allele origin: germline.
Comment: This sequence change replaces histidine, which is basic and polar, with glutamine, which is neutral and polar, at codon 1135 of the AHDC1 protein (p.His1135Gln). This variant is not present in population databases (gnomAD no frequency). This variant has not been reported in the literature in individuals affected with AHDC1-related conditions. ClinVar contains an entry for this variant (Variation ID: 3623559). An algorithm developed to predict the effect of missense changes on protein structure and function (PolyPhen-2) suggests that this variant is likely to be disruptive. In summary, the available evidence is currently insufficient to determine the role of this variant in disease. Therefore, it has been classified as a Variant of Uncertain Significance.